The following is an entry in ClinVar:

ClinVar aggregate classification (germline): Uncertain significance (1 of 4 stars; one submission).

Conditions:
COG5-congenital disorder of glycosylation. Also called: CDG IIi; CONGENITAL DISORDER OF GLYCOSYLATION, TYPE IIi; COG5-CDG. Identifiers: Orphanet 263487, MedGen C3150876, MONDO:0013325, OMIM 613612.

Allele frequency attached by ClinVar (database versions not stated): gnomAD exomes below 0.00001; ExAC 0.00001.
gnomAD v4.1: 1 of 1,613,434 alleles (0.000062%); highest among the groups gnomAD compares: Non-Finnish European, 0.000085%; no homozygotes.

Submission:

Labcorp Genetics (formerly Invitae), Labcorp
Classification: Uncertain significance for COG5-congenital disorder of glycosylation. Last evaluated: 2022-03-13. Review status: criteria provided, single submitter. Criteria: Invitae Variant Classification Sherloc (09022015). Collection method: clinical testing. Allele origin: germline.
Comment: This variant has not been reported in the literature in individuals affected with COG5-related conditions. This variant is present in population databases (rs776986539, gnomAD 0.0009%). This sequence change replaces threonine, which is neutral and polar, with alanine, which is neutral and non-polar, at codon 257 of the COG5 protein (p.Thr257Ala). In summary, the available evidence is currently insufficient to determine the role of this variant in disease. Therefore, it has been classified as a Variant of Uncertain Significance. Algorithms developed to predict the effect of sequence changes on RNA splicing suggest that this variant may create or strengthen a splice site. Algorithms developed to predict the effect of missense changes on protein structure and function (SIFT, PolyPhen-2, Align-GVGD) all suggest that this variant is likely to be tolerated.

NM_006348.5(COG5):c.676A>G (p.Thr226Ala)

Gene: COG5 (component of oligomeric golgi complex 5; minus strand). Cytogenetic location: 7q22.3.
Variant type: single nucleotide variant.
Coding change: c.676A>G on transcript NM_006348.5 (MANE Select); coding-DNA position 676, A replaced by G.
Protein change: p.Thr226Ala; replaces threonine 226 with alanine.
Molecular consequence: missense variant. On other transcripts: intron variant (2).
Genome position (GRCh38, 1-based): chr7:107,372,754, T>C on the plus strand (A>G on the coding strand, the complement: COG5 is on the minus strand). VCF-style: chr7-107372754-T-C. GRCh37 (hg19) VCF-style: chr7-107013199-T-C.
Other names: c.676A>G, p.Thr226Ala (NM_001161520.2, NM_001379511.1, NM_001379512.1 and 3 more transcripts); c.235-10644A>G (NM_001379516.1); c.539-74408A>G (NM_001379515.1); short protein forms T226A.
Identifiers: ClinVar variation 2192457 (VCV002192457.4), dbSNP rs776986539, ClinGen allele CA4431132.
Genomic context (GRCh38, chr7:107,372,754, plus strand): 5'-TAATAGTATCCTTCAAAGTTCCAAGATTATAGAAAACCTGAAGAGCTGTTCCGACTTGAG[T>C]TGGATTCTTAAAAAAAGGTGGGGTGGGGTGGAAACAGATATAAATAGGAAAACAAACAAA-3'
Protein context (NP_006339.4, residues 216-236): LEQGLETQNP[Thr226Ala]QVGTALQVFY